The following is an entry in ClinVar:

ClinVar aggregate classification (germline): Uncertain significance. Review status: criteria provided, multiple submitters, no conflicts (2 of 4 stars). 2 submissions from 2 submitters: Uncertain significance (2). Last evaluated 2025-08-12.

Conditions:
Inborn genetic diseases. Identifiers: MedGen C0950123, MeSH D030342.

gnomAD v4.1: 4 of 1,613,744 alleles (0.00025%); highest among the groups gnomAD compares: Admixed American, 0.0033%; no homozygotes.

Submissions (2):

Ambry Genetics
Classification: Uncertain significance for Inborn genetic diseases. Last evaluated: 2025-08-12. Review status: criteria provided, single submitter. Criteria: Ambry Variant Classification Scheme 2023. Collection method: clinical testing. Allele origin: germline.
Comment: The p.R1044L variant (also known as c.3131G>T), located in coding exon 1 of the SAMD9L gene, results from a G to T substitution at nucleotide position 3131. The arginine at codon 1044 is replaced by leucine, an amino acid with dissimilar properties. This amino acid position is conserved. In addition, this alteration is predicted to be tolerated by in silico analysis. Based on the available evidence, the clinical significance of this variant remains unclear.

Labcorp Genetics (formerly Invitae), Labcorp
Classification: Uncertain significance. Last evaluated: 2024-10-23. Review status: criteria provided, single submitter. Criteria: Invitae Variant Classification Sherloc (09022015). Collection method: clinical testing. Allele origin: germline.
Comment: This sequence change replaces arginine, which is basic and polar, with leucine, which is neutral and non-polar, at codon 1044 of the SAMD9L protein (p.Arg1044Leu). This variant is present in population databases (rs370894881, gnomAD 0.006%). This variant has not been reported in the literature in individuals affected with SAMD9L-related conditions. ClinVar contains an entry for this variant (Variation ID: 1020794). Invitae Evidence Modeling of protein sequence and biophysical properties (such as structural, functional, and spatial information, amino acid conservation, physicochemical variation, residue mobility, and thermodynamic stability) indicates that this missense variant is not expected to disrupt SAMD9L protein function with a negative predictive value of 80%. In summary, the available evidence is currently insufficient to determine the role of this variant in disease. Therefore, it has been classified as a Variant of Uncertain Significance.

NM_152703.5(SAMD9L):c.3131G>T (p.Arg1044Leu)

Gene: SAMD9L (sterile alpha motif domain containing 9 like; minus strand). Cytogenetic location: 7q21.2.
Variant type: single nucleotide variant.
Coding change: c.3131G>T on transcript NM_152703.5 (MANE Select); coding-DNA position 3131, G replaced by T.
Protein change: p.Arg1044Leu; replaces arginine 1044 with leucine.
Molecular consequence: missense variant.
Genome position (GRCh38, 1-based): chr7:93,132,841, C>A on the plus strand (G>T on the coding strand, the complement: SAMD9L is on the minus strand). VCF-style: chr7-93132841-C-A. GRCh37 (hg19) VCF-style: chr7-92762154-C-A.
Other names: c.3131G>T, p.Arg1044Leu (NM_001303496.3, NM_001303497.3, NM_001303498.3 and 5 more transcripts); c.3131G>T (NM_152703.2); short protein forms R1044L.
Identifiers: ClinVar variation 1020794 (VCV001020794.7), dbSNP rs370894881, ClinGen allele CA4343499.